The following is an entry in ClinVar:

NM_003383.5(VLDLR):c.291C>T (p.Cys97=)

Gene: VLDLR (very low density lipoprotein receptor; plus strand). Cytogenetic location: 9p24.2.
Variant type: single nucleotide variant.
Coding change: c.291C>T on transcript NM_003383.5 (MANE Select); coding-DNA position 291, C replaced by T.
Protein change: p.Cys97=; no amino-acid change (cysteine 97 retained).
Molecular consequence: synonymous variant.
Genome position (GRCh38, 1-based): chr9:2,639,947, C>T. VCF-style: chr9-2639947-C-T. GRCh37 (hg19) VCF-style: chr9-2639947-C-T.
Other names: c.291C>T, p.Cys97= (NM_001018056.3, NM_001322225.2, NM_001322226.2).
Identifiers: ClinVar variation 3012031 (VCV003012031.7), dbSNP rs750584489, ClinGen allele CA4964478.

ClinVar aggregate classification (germline): Likely benign. Review status: criteria provided, multiple submitters, no conflicts (2 of 4 stars). 2 submissions from 2 submitters: Likely benign (2). Last evaluated 2026-03-01.

Allele frequency attached by ClinVar (database versions not stated): TOPMed below 0.00001; gnomAD exomes 0.00003; ExAC 0.00004.
gnomAD v4.1: 47 of 1,614,170 alleles (0.0029%); highest among the groups gnomAD compares: South Asian, 0.016%; no homozygotes.

Submissions (2):

CeGaT Center for Human Genetics Tuebingen
Classification: Likely benign. Last evaluated: 2026-03-01. Review status: criteria provided, single submitter. Criteria: CeGaT Center For Human Genetics Tuebingen Variant Classification Criteria Version 2. Collection method: clinical testing. Allele origin: germline. Affected: yes. Observed: 1 variant allele.
Comment: VLDLR: BP4, BP7

Labcorp Genetics (formerly Invitae), Labcorp
Classification: Likely benign. Last evaluated: 2024-02-24. Review status: criteria provided, single submitter. Criteria: Invitae Variant Classification Sherloc (09022015). Collection method: clinical testing. Allele origin: germline.